The following is an entry in ClinVar:

NM_000038.6(APC):c.3237T>C (p.Thr1079=)

Gene: APC (APC regulator of Wnt signaling pathway; plus strand). Cytogenetic location: 5q22.2.
Variant type: single nucleotide variant.
Coding change: c.3237T>C on transcript NM_000038.6 (MANE Select); coding-DNA position 3237, T replaced by C.
Protein change: p.Thr1079=; no amino-acid change (threonine 1079 retained).
Molecular consequence: synonymous variant. On other transcripts: non-coding transcript variant (2).
Genome position (GRCh38, 1-based): chr5:112,838,831, T>C. VCF-style: chr5-112838831-T-C. GRCh37 (hg19) VCF-style: chr5-112174528-T-C.
Other names: c.3237T>C (NM_000038.5); c.3237T>C, p.Thr1079= (NM_001127510.3, NM_001354895.2, NM_001407450.1); c.3183T>C, p.Thr1061= (NM_001127511.3); c.3291T>C, p.Thr1097= (NM_001354896.2, NM_001407447.1, NM_001407448.1 and 1 more transcripts); c.3267T>C, p.Thr1089= (NM_001354897.2); c.3162T>C, p.Thr1054= (NM_001354898.2); c.3153T>C, p.Thr1051= (NM_001354899.2); c.3114T>C, p.Thr1038= (NM_001354900.2); and 12 more.
Identifiers: ClinVar variation 3148024 (VCV003148024.2), dbSNP rs2149887608, ClinGen allele CA445963249.

ClinVar aggregate classification (germline): Benign/Likely benign. Review status: criteria provided, multiple submitters, no conflicts (2 of 4 stars). 2 submissions from 2 submitters: Benign (1); Likely benign (1). Last evaluated 2026-08-31.

Conditions:
Familial adenomatous polyposis 1 (FAP1). Also called: FAMILIAL ADENOMATOUS POLYPOSIS 1, ATTENUATED; POLYPOSIS, ADENOMATOUS INTESTINAL. Identifiers: MedGen C2713442, MONDO:0021056, OMIM 175100. Disease mechanism: loss of function.
Hereditary cancer-predisposing syndrome. Also called: Tumor predisposition; Hereditary Cancer Syndrome; Neoplastic Syndromes, Hereditary; Hereditary neoplastic syndrome. Identifiers: Orphanet 140162, MedGen C0027672, MeSH D009386, MONDO:0015356.

Submissions (2):

Ambry Genetics
Classification: Likely benign for Hereditary cancer-predisposing syndrome. Last evaluated: 2026-08-31. Review status: criteria provided, single submitter. Criteria: Ambry Variant Classification Scheme 2023. Collection method: clinical testing. Allele origin: germline.

Myriad Genetics, Inc.
Classification: Benign for Familial adenomatous polyposis 1. Last evaluated: 2024-03-18. Review status: criteria provided, single submitter. Criteria: Myriad Autosomal Dominant, Autosomal Recessive and X-Linked Classification Criteria (2023). Collection method: clinical testing. Allele origin: unknown.
Comment: This variant is considered benign. This variant is a silent/synonymous amino acid change and it is not expected to impact splicing.